The following is an entry in ClinVar:

NM_018060.4(IARS2):c.1164G>A (p.Thr388=)

Gene: IARS2 (isoleucyl-tRNA synthetase 2, mitochondrial; plus strand). Cytogenetic location: 1q41.
Variant type: single nucleotide variant.
Coding change: c.1164G>A on transcript NM_018060.4 (MANE Select); coding-DNA position 1164, G replaced by A.
Protein change: p.Thr388=; no amino-acid change (threonine 388 retained).
Molecular consequence: synonymous variant.
Genome position (GRCh38, 1-based): chr1:220,105,988, G>A. VCF-style: chr1-220105988-G-A. GRCh37 (hg19) VCF-style: chr1-220279330-G-A.
Identifiers: ClinVar variation 507805 (VCV000507805.31), dbSNP rs143373097, ClinGen allele CA1401332.

ClinVar aggregate classification (germline): Benign/Likely benign. Review status: criteria provided, multiple submitters, no conflicts (2 of 4 stars). 4 submissions from 4 submitters: Benign (3); Likely benign (1). Last evaluated 2026-05-01.

Allele frequency attached by ClinVar (database versions not stated): ESP Exome Variant Server 0.00377; gnomAD exomes 0.00027 and 0.00089; ExAC 0.00112; gnomAD 0.00268 and 0.00282; 1000 Genomes Project 0.00280; TOPMed 0.00317; 1000 Genomes Project 30x 0.00359.
gnomAD v4.1: 842 of 1,614,100 alleles (0.052%); highest among the groups gnomAD compares: African/African-American, 0.89%; 2 homozygotes.

Submissions (4):

CeGaT Center for Human Genetics Tuebingen
Classification: Likely benign. Last evaluated: 2026-05-01. Review status: criteria provided, single submitter. Criteria: CeGaT Center For Human Genetics Tuebingen Variant Classification Criteria Version 2. Collection method: clinical testing. Allele origin: germline. Affected: yes. Observed: 2 variant alleles.
Comment: IARS2: BP4, BP7

Labcorp Genetics (formerly Invitae), Labcorp
Classification: Benign. Last evaluated: 2025-12-21. Review status: criteria provided, single submitter. Criteria: Invitae Variant Classification Sherloc (09022015). Collection method: clinical testing. Allele origin: germline.

Blueprint Genetics
Classification: Benign. Last evaluated: 2024-07-18. Review status: criteria provided, single submitter. Criteria: ACMG Guidelines, 2015. Collection method: clinical testing. Allele origin: germline.

GeneDx
Classification: Benign. Last evaluated: 2020-11-12. Review status: criteria provided, single submitter. Criteria: GeneDx Variant Classification Process June 2021. Collection method: clinical testing. Allele origin: germline. Affected: yes.